The following is an entry in ClinVar:

NM_004336.5(BUB1):c.826A>G (p.Met276Val)

Gene: BUB1 (BUB1 mitotic checkpoint serine/threonine kinase; minus strand). Cytogenetic location: 2q13.
Variant type: single nucleotide variant.
Coding change: c.826A>G on transcript NM_004336.5 (MANE Select); coding-DNA position 826, A replaced by G.
Protein change: p.Met276Val; replaces methionine 276 with valine.
Molecular consequence: missense variant.
Genome position (GRCh38, 1-based): chr2:110,666,394, T>C on the plus strand (A>G on the coding strand, the complement: BUB1 is on the minus strand). VCF-style: chr2-110666394-T-C. GRCh37 (hg19) VCF-style: chr2-111423971-T-C.
Other names: c.766A>G, p.Met256Val (NM_001278616.2); c.826A>G, p.Met276Val (NM_001278617.2); short protein forms M256V, M276V.
Identifiers: ClinVar variation 2562178 (VCV002562178.2), dbSNP rs2468026101, ClinGen allele CA348216968.

ClinVar aggregate classification (germline): Uncertain significance (1 of 4 stars; one submission).

Allele frequency attached by ClinVar (database versions not stated): gnomAD exomes below 0.00001.
gnomAD v4.1: 1 of 1,469,988 alleles (0.000068%); highest among the groups gnomAD compares: Non-Finnish European, 0.00009%; no homozygotes.

Submission:

Ambry Genetics
Classification: Uncertain significance. Last evaluated: 2023-03-30. Review status: criteria provided, single submitter. Criteria: Ambry Variant Classification Scheme 2023. Collection method: clinical testing. Allele origin: germline.
Comment: The p.M276V variant (also known as c.826A>G), located in coding exon 9 of the BUB1 gene, results from an A to G substitution at nucleotide position 826. The methionine at codon 276 is replaced by valine, an amino acid with highly similar properties. This amino acid position is conserved. In addition, this alteration is predicted to be tolerated by in silico analysis. Since supporting evidence is limited at this time, the clinical significance of this alteration remains unclear.